The following is an entry in ClinVar:

ClinVar aggregate classification (germline): Uncertain significance (1 of 4 stars; one submission).

Conditions:
Inborn genetic diseases. Identifiers: MedGen C0950123, MeSH D030342.

gnomAD v4.1: 6 of 1,614,120 alleles (0.00037%); highest among the groups gnomAD compares: Admixed American, 0.01%; no homozygotes.

Submission:

Ambry Genetics
Classification: Uncertain significance for Inborn genetic diseases. Last evaluated: 2025-02-13. Review status: criteria provided, single submitter. Criteria: Ambry Variant Classification Scheme 2023. Collection method: clinical testing. Allele origin: germline.
Comment: The p.P601R variant (also known as c.1802C>G), located in coding exon 12 of the BMPR2 gene, results from a C to G substitution at nucleotide position 1802. The proline at codon 601 is replaced by arginine, an amino acid with dissimilar properties. This amino acid position is conserved. In addition, this alteration is predicted to be deleterious by in silico analysis. Based on the available evidence, the clinical significance of this variant remains unclear.

NM_001204.7(BMPR2):c.1802C>G (p.Pro601Arg)

Gene: BMPR2 (bone morphogenetic protein receptor type 2; plus strand). Cytogenetic location: 2q33.2.
Variant type: single nucleotide variant.
Coding change: c.1802C>G on transcript NM_001204.7 (MANE Select); coding-DNA position 1802, C replaced by G.
Protein change: p.Pro601Arg; replaces proline 601 with arginine.
Molecular consequence: missense variant.
Genome position (GRCh38, 1-based): chr2:202,555,467, C>G. VCF-style: chr2-202555467-C-G. GRCh37 (hg19) VCF-style: chr2-203420190-C-G.
Other names: short protein forms P601R.
Identifiers: ClinVar variation 3824904 (VCV003824904.1).